The following is an entry in ClinVar:

ClinVar aggregate classification (germline): Uncertain significance (1 of 4 stars; one submission).

Conditions:
Tuberous sclerosis 2 (TSC2). Identifiers: Orphanet 805, MedGen C1860707, MONDO:0013199, OMIM 613254.

Submission:

Labcorp Genetics (formerly Invitae), Labcorp
Classification: Uncertain significance for Tuberous sclerosis 2. Last evaluated: 2021-07-13. Review status: criteria provided, single submitter. Criteria: Invitae Variant Classification Sherloc (09022015). Collection method: clinical testing. Allele origin: germline.
Comment: This variant has not been reported in the literature in individuals affected with TSC2-related conditions. This sequence change replaces lysine with asparagine at codon 1585 of the TSC2 protein (p.Lys1585Asn). The lysine residue is highly conserved and there is a moderate physicochemical difference between lysine and asparagine. This variant is not present in population databases (ExAC no frequency). Advanced modeling of protein sequence and biophysical properties (such as structural, functional, and spatial information, amino acid conservation, physicochemical variation, residue mobility, and thermodynamic stability) performed at Invitae indicates that this missense variant is not expected to disrupt TSC2 protein function. In summary, the available evidence is currently insufficient to determine the role of this variant in disease. Therefore, it has been classified as a Variant of Uncertain Significance.

NM_000548.5(TSC2):c.4755G>T (p.Lys1585Asn)

Gene: TSC2 (TSC complex subunit 2; plus strand). Cytogenetic location: 16p13.3.
Variant type: single nucleotide variant.
Coding change: c.4755G>T on transcript NM_000548.5 (MANE Select); coding-DNA position 4755, G replaced by T.
Protein change: p.Lys1585Asn; replaces lysine 1585 with asparagine.
Molecular consequence: missense variant.
Genome position (GRCh38, 1-based): chr16:2,086,285, G>T. VCF-style: chr16-2086285-G-T. GRCh37 (hg19) VCF-style: chr16-2136286-G-T.
Other names: c.4554G>T, p.Lys1518Asn (NM_001077183.3); c.4686G>T, p.Lys1562Asn (NM_001114382.3); c.4446G>T, p.Lys1482Asn (NM_001318827.2); c.4410G>T, p.Lys1470Asn (NM_001318829.2); c.4023G>T, p.Lys1341Asn (NM_001318831.2); c.4587G>T, p.Lys1529Asn (NM_001318832.2); c.4557G>T, p.Lys1519Asn (NM_001363528.2); c.4623G>T, p.Lys1541Asn (NM_001370404.1); and 1 more; short protein forms K1562N, K1482N, K1519N, K1541N, K1341N, K1518N, K1529N, K1470N.
Identifiers: ClinVar variation 1464324 (VCV001464324.8), dbSNP rs2090778953, ClinGen allele CA394307784.